The following is an entry in ClinVar:

NM_001194.4(HCN2):c.764T>G (p.Phe255Cys)

Gene: HCN2 (hyperpolarization activated cyclic nucleotide gated potassium and sodium channel 2; plus strand). Cytogenetic location: 19p13.3.
Variant type: single nucleotide variant.
Coding change: c.764T>G on transcript NM_001194.4 (MANE Select); coding-DNA position 764, T replaced by G.
Protein change: p.Phe255Cys; replaces phenylalanine 255 with cysteine.
Molecular consequence: missense variant.
Genome position (GRCh38, 1-based): chr19:603,675, T>G. VCF-style: chr19-603675-T-G. GRCh37 (hg19) VCF-style: chr19-603675-T-G.
Other names: short protein forms F255C.
Identifiers: ClinVar variation 3029168 (VCV003029168.2), dbSNP rs2512448958, ClinGen allele CA402874993.

ClinVar aggregate classification (germline): Uncertain significance (0 of 4 stars; one submission).

Conditions:
HCN2-related disorder. Also called: HCN2-related condition.

Submission:

PreventionGenetics, part of Exact Sciences
Classification: Uncertain significance for HCN2-related condition. Last evaluated: 2024-02-01. Review status: no assertion criteria provided. Collection method: clinical testing. Allele origin: germline.
Comment: The HCN2 c.764T>G variant is predicted to result in the amino acid substitution p.Phe255Cys. To our knowledge, this variant has not been reported in the literature or in a large population database, indicating this variant is rare. Although we suspect that this variant may be pathogenic, at this time, the clinical significance of this variant is uncertain due to the absence of conclusive functional and genetic evidence.